The following is an entry in ClinVar:

NM_003383.5(VLDLR):c.471C>T (p.Asp157=)

Gene: VLDLR (very low density lipoprotein receptor; plus strand). Cytogenetic location: 9p24.2.
Variant type: single nucleotide variant.
Coding change: c.471C>T on transcript NM_003383.5 (MANE Select); coding-DNA position 471, C replaced by T.
Protein change: p.Asp157=; no amino-acid change (aspartic acid 157 retained).
Molecular consequence: synonymous variant.
Genome position (GRCh38, 1-based): chr9:2,643,182, C>T. VCF-style: chr9-2643182-C-T. GRCh37 (hg19) VCF-style: chr9-2643182-C-T.
Other names: c.471C>T, p.Asp157= (NM_001018056.3); c.348C>T, p.Asp116= (NM_001322225.2, NM_001322226.2); c.471C>T (NM_003383.4).
Identifiers: ClinVar variation 437219 (VCV000437219.15), dbSNP rs138649440, ClinGen allele CA4964555.

ClinVar aggregate classification (germline): Likely benign. Review status: criteria provided, multiple submitters, no conflicts (2 of 4 stars). 5 submissions from 5 submitters: Likely benign (4). 1 of the submissions does not count toward it. Last evaluated 2025-12-28.

Conditions:
VLDLR-related disorder. Also called: VLDLR-related condition.

Allele frequency attached by ClinVar (database versions not stated): ESP Exome Variant Server 0.00008; 1000 Genomes Project 30x 0.00016; 1000 Genomes Project 0.00020; TOPMed 0.00020.
gnomAD v4.1: 126 of 1,612,954 alleles (0.0078%); highest among the groups gnomAD compares: South Asian, 0.047%; 2 homozygotes.

Submissions (5):

Labcorp Genetics (formerly Invitae), Labcorp
Classification: Likely benign. Last evaluated: 2025-12-28. Review status: criteria provided, single submitter. Criteria: Invitae Variant Classification Sherloc (09022015). Collection method: clinical testing. Allele origin: germline.

Blueprint Genetics
Classification: Likely benign. Last evaluated: 2024-08-28. Review status: criteria provided, single submitter. Criteria: ACMG Guidelines, 2015. Collection method: clinical testing. Allele origin: germline.

GeneDx
Classification: Likely benign. Last evaluated: 2020-11-03. Review status: criteria provided, single submitter. Criteria: GeneDx Variant Classification Process June 2021. Collection method: clinical testing. Allele origin: germline. Affected: yes.

Genetic Services Laboratory, University of Chicago
Classification: Likely benign. Last evaluated: 2016-10-04. Review status: criteria provided, single submitter. Criteria: ACMG Guidelines, 2015. Collection method: clinical testing. Allele origin: germline. Affected: no.

PreventionGenetics, part of Exact Sciences
Classification: Likely benign for VLDLR-related condition. Last evaluated: 2022-11-15. Review status: no assertion criteria provided. Collection method: clinical testing. Allele origin: germline. Not counted in ClinVar's aggregate classification.
Comment: This variant is classified as likely benign based on ACMG/AMP sequence variant interpretation guidelines (Richards et al. 2015 PMID: 25741868, with internal and published modifications).